The following is an entry in ClinVar:

NM_012144.4(DNAI1):c.901+1G>T

Gene: DNAI1 (dynein axonemal intermediate chain 1; plus strand). Cytogenetic location: 9p13.3.
Variant type: single nucleotide variant.
Coding change: c.901+1G>T on transcript NM_012144.4 (MANE Select); the canonical splice donor site of the intron after coding-DNA position 901, G replaced by T.
Molecular consequence: splice donor variant.
Genome position (GRCh38, 1-based): chr9:34,497,200, G>T. VCF-style: chr9-34497200-G-T. GRCh37 (hg19) VCF-style: chr9-34497198-G-T.
Other names: c.913+1G>T (NM_001281428.2).
Identifiers: ClinVar variation 2141277 (VCV002141277.4), dbSNP rs908149058, ClinGen allele CA192635113.

ClinVar aggregate classification (germline): Likely pathogenic (1 of 4 stars; one submission).

Conditions:
Primary ciliary dyskinesia. Also called: Ciliary dyskinesia. Identifiers: Orphanet 244, MedGen C0008780, MONDO:0016575, HP:0012265.

gnomAD v4.1: 2 of 1,613,006 alleles (0.00012%); highest among the groups gnomAD compares: Non-Finnish European, 0.000085%; no homozygotes.

Submission:

Labcorp Genetics (formerly Invitae), Labcorp
Classification: Likely pathogenic for Primary ciliary dyskinesia. Last evaluated: 2022-09-15. Review status: criteria provided, single submitter. Criteria: Invitae Variant Classification Sherloc (09022015). Collection method: clinical testing. Allele origin: germline.
Comment: Algorithms developed to predict the effect of sequence changes on RNA splicing suggest that this variant may disrupt the consensus splice site. This variant has not been reported in the literature in individuals affected with DNAI1-related conditions. This variant is not present in population databases (gnomAD no frequency). This sequence change affects a donor splice site in intron 10 of the DNAI1 gene. It is expected to disrupt RNA splicing. Variants that disrupt the donor or acceptor splice site typically lead to a loss of protein function (PMID: 16199547), and loss-of-function variants in DNAI1 are known to be pathogenic (PMID: 16858015, 29363216). In summary, the currently available evidence indicates that the variant is pathogenic, but additional data are needed to prove that conclusively. Therefore, this variant has been classified as Likely Pathogenic.

Literature cited by the submitters: PubMed 16199547; PubMed 16858015; PubMed 29363216.